The following is an entry in ClinVar:

NM_020223.4(FAM20C):c.76G>C (p.Ala26Pro)

Gene: FAM20C (FAM20C golgi associated secretory pathway kinase; plus strand). Cytogenetic location: 7p22.3.
Variant type: single nucleotide variant.
Coding change: c.76G>C on transcript NM_020223.4 (MANE Select); coding-DNA position 76, G replaced by C.
Protein change: p.Ala26Pro; replaces alanine 26 with proline.
Molecular consequence: missense variant.
Genome position (GRCh38, 1-based): chr7:193,275, G>C. VCF-style: chr7-193275-G-C. GRCh37 (hg19) VCF-style: chr7-193275-G-C.
Other names: short protein forms A26P.
Identifiers: ClinVar variation 1414715 (VCV001414715.6), dbSNP rs1177102899, ClinGen allele CA366522272.

ClinVar aggregate classification (germline): Uncertain significance (1 of 4 stars; one submission).

Allele frequency attached by ClinVar (database versions not stated): gnomAD 0.00001; gnomAD exomes 0.00001; TOPMed 0.00002.
gnomAD v4.1: 19 of 1,448,822 alleles (0.0013%); highest among the groups gnomAD compares: Non-Finnish European, 0.0015%; no homozygotes.

Submission:

Labcorp Genetics (formerly Invitae), Labcorp
Classification: Uncertain significance. Last evaluated: 2021-09-24. Review status: criteria provided, single submitter. Criteria: Invitae Variant Classification Sherloc (09022015). Collection method: clinical testing. Allele origin: germline.
Comment: This sequence change replaces alanine with proline at codon 26 of the FAM20C protein (p.Ala26Pro). The alanine residue is weakly conserved and there is a small physicochemical difference between alanine and proline. The frequency data for this variant in the population databases is considered unreliable, as metrics indicate insufficient coverage at this position in the ExAC database. This variant has not been reported in the literature in individuals affected with FAM20C-related conditions. Algorithms developed to predict the effect of missense changes on protein structure and function (SIFT, PolyPhen-2, Align-GVGD) all suggest that this variant is likely to be tolerated. In summary, the available evidence is currently insufficient to determine the role of this variant in disease. Therefore, it has been classified as a Variant of Uncertain Significance.